The following is an entry in ClinVar:

NM_001080442.3(SLC38A8):c.922A>G (p.Thr308Ala)

Gene: SLC38A8 (solute carrier family 38 member 8; minus strand). Cytogenetic location: 16q23.3.
Variant type: single nucleotide variant.
Coding change: c.922A>G on transcript NM_001080442.3 (MANE Select); coding-DNA position 922, A replaced by G.
Protein change: p.Thr308Ala; replaces threonine 308 with alanine.
Molecular consequence: missense variant.
Genome position (GRCh38, 1-based): chr16:84,017,171, T>C on the plus strand (A>G on the coding strand, the complement: SLC38A8 is on the minus strand). VCF-style: chr16-84017171-T-C. GRCh37 (hg19) VCF-style: chr16-84050776-T-C.
Other names: short protein forms T308A.
Identifiers: ClinVar variation 1033658 (VCV001033658.5), dbSNP rs142821762, ClinGen allele CA8199922.
Genomic context (GRCh38, chr16:84,017,171, plus strand): 5'-ACGGTGCCCCCCACTGAGCCAGGCCTCACCTCCCCAGGAAGAGCACGATGGGGTAGACAG[T>C]TACGATGGAGACAGCAAAAAGGACCCGGGCCACAATGATGACCATATCATTGCCTGGGTA-3'
Protein context (NP_001073911.1, residues 298-318): ARVLFAVSIV[Thr308Ala]VYPIVLFLGR

ClinVar aggregate classification (germline): Uncertain significance. Review status: criteria provided, multiple submitters, no conflicts (2 of 4 stars). 3 submissions from 3 submitters: Uncertain significance (3). Last evaluated 2024-11-25.

Conditions:
Foveal hypoplasia - optic nerve decussation defect - anterior segment dysgenesis syndrome. Also called: FOVEAL HYPOPLASIA 2 WITH OR WITHOUT OPTIC NERVE MISROUTING AND/OR ANTERIOR SEGMENT DYSGENESIS; FOVEAL HYPOPLASIA 2 WITH OR WITHOUT MICROPHTHALMIA OR COLOBOMA; FOVEAL HYPOPLASIA 2 WITH OPTIC NERVE DECUSSATION DEFECTS AND ANTERIOR SEGMENT DYSGENESIS WITHOUT ALBINISM; Foveal hypoplasia 2. Identifiers: Orphanet 397618, MedGen C3807873, MONDO:0012216, OMIM 609218.

Allele frequency attached by ClinVar (database versions not stated): 1000 Genomes Project 0.00020; 1000 Genomes Project 30x 0.00047; gnomAD exomes 0.00048 and 0.00050; TOPMed 0.00048; gnomAD 0.00051 and 0.00052; ExAC 0.00058; ESP Exome Variant Server 0.00062.
gnomAD v4.1: 800 of 1,613,912 alleles (0.05%); highest among the groups gnomAD compares: Non-Finnish European, 0.058%; 3 homozygotes.

Submissions (4):

Blueprint Genetics
Classification: Uncertain significance. Last evaluated: 2024-11-25. Review status: criteria provided, single submitter. Criteria: ACMG Guidelines, 2015. Collection method: clinical testing. Allele origin: germline.

Labcorp Genetics (formerly Invitae), Labcorp
Classification: Uncertain significance. Last evaluated: 2022-10-25. Review status: criteria provided, single submitter. Criteria: Invitae Variant Classification Sherloc (09022015). Collection method: clinical testing. Allele origin: germline.
Comment: This sequence change replaces threonine, which is neutral and polar, with alanine, which is neutral and non-polar, at codon 308 of the SLC38A8 protein (p.Thr308Ala). This variant is present in population databases (rs142821762, gnomAD 0.09%), and has an allele count higher than expected for a pathogenic variant. This missense change has been observed in individual(s) with clincial features of foveal hypoplasia, optic nerve decussation defects, and anterior segment dysgenesis (FHONDA) (PMID: 29345414). ClinVar contains an entry for this variant (Variation ID: 1033658). Advanced modeling of protein sequence and biophysical properties (such as structural, functional, and spatial information, amino acid conservation, physicochemical variation, residue mobility, and thermodynamic stability) performed at Invitae indicates that this missense variant is not expected to disrupt SLC38A8 protein function. In summary, the available evidence is currently insufficient to determine the role of this variant in disease. Therefore, it has been classified as a Variant of Uncertain Significance.

Baylor Genetics
Classification: Uncertain significance for Foveal hypoplasia - optic nerve decussation defect - anterior segment dysgenesis syndrome. Last evaluated: 2018-08-22. Review status: criteria provided, single submitter. Criteria: ACMG Guidelines, 2015. Collection method: clinical testing. Allele origin: paternal. Affected: yes.
Comment: This variant was determined to be of uncertain significance according to ACMG Guidelines, 2015 [PMID:25741868].

Dr. Peter K. Rogan Lab, Western University
No classification provided (evidence only). Condition: Malignant tumor of esophagus. Review status: no classification provided. Collection method: in vitro. Allele origin: not applicable. Functional consequence: retained intron. Not counted in ClinVar's aggregate classification.

Literature cited by the submitters: PubMed 29345414 (cited by Labcorp Genetics (formerly Invitae), Labcorp).